The following is an entry in ClinVar:

NM_017849.4(TMEM127):c.-5C>T

Genes: TMEM127 (transmembrane protein 127; minus strand), LOC129934333 (ATAC-STARR-seq lymphoblastoid silent region 11759; plus strand). Cytogenetic location: 2q11.2.
Variant type: single nucleotide variant.
Coding change: c.-5C>T on transcript NM_017849.4 (MANE Select); 5 bases upstream of the start codon, C replaced by T.
Molecular consequence: 5 prime UTR variant. On other transcripts: intron variant (1).
Genome position (GRCh38, 1-based): chr2:96,265,386, G>A on the plus strand (C>T on the coding strand, the complement: TMEM127 is on the minus strand). VCF-style: chr2-96265386-G-A. GRCh37 (hg19) VCF-style: chr2-96931124-G-A.
Other names: c.-5C>T (NM_001193304.3); c.-9+483C>T (NM_001407283.1).
Identifiers: ClinVar variation 3807730 (VCV003807730.1).

ClinVar aggregate classification (germline): Uncertain significance (1 of 4 stars; one submission).

Conditions:
Hereditary cancer-predisposing syndrome. Also called: Neoplastic Syndromes, Hereditary; Hereditary Cancer Syndrome; Tumor predisposition; Hereditary neoplastic syndrome. Identifiers: Orphanet 140162, MedGen C0027672, MeSH D009386, MONDO:0015356.

Submission:

Ambry Genetics
Classification: Uncertain significance for Hereditary cancer-predisposing syndrome. Last evaluated: 2025-01-03. Review status: criteria provided, single submitter. Criteria: Ambry Variant Classification Scheme 2023. Collection method: clinical testing. Allele origin: germline.
Comment: The c.-5C>T variant is located in the 5' untranslated region (5&rsquo; UTR) of the TMEM127 gene. This variant results from a C to T substitution 5 bases upstream from the first translated codon. This nucleotide position is well conserved in available vertebrate species. Based on the available evidence, the clinical significance of this variant remains unclear.